The following is an entry in ClinVar:

ClinVar aggregate classification (germline): Conflicting classifications of pathogenicity. Review status: criteria provided, conflicting classifications (1 of 4 stars). 4 submissions from 4 submitters: Uncertain significance (1); Likely benign (2). 1 of the submissions does not count toward it. Last evaluated 2025-12-15.

Conditions:
NPHP4-related disorder. Also called: NPHP4-related condition; NPHP4-related disorders. Identifiers: MedGen CN239384.
Nephronophthisis. Also called: Juvenile Nephronophthisis. Identifiers: Orphanet 655, MedGen C0687120, MONDO:0019005, HP:0000090.

Allele frequency attached by ClinVar (database versions not stated): gnomAD exomes 0.00003 and 0.00011; ExAC 0.00013; ESP Exome Variant Server 0.00041; gnomAD 0.00046 and 0.00048; TOPMed 0.00049; 1000 Genomes Project 0.00060; 1000 Genomes Project 30x 0.00109.
gnomAD v4.1: 120 of 1,613,522 alleles (0.0074%); highest among the groups gnomAD compares: African/African-American, 0.15%; no homozygotes.

Submissions (4):

Labcorp Genetics (formerly Invitae), Labcorp
Classification: Likely benign for Nephronophthisis. Last evaluated: 2025-12-15. Review status: criteria provided, single submitter. Criteria: Invitae Variant Classification Sherloc (09022015). Collection method: clinical testing. Allele origin: germline.

Blueprint Genetics
Classification: Likely benign. Last evaluated: 2022-09-05. Review status: criteria provided, single submitter. Criteria: ACMG Guidelines, 2015. Collection method: clinical testing. Allele origin: germline.

Eurofins Ntd Llc (ga)
Classification: Uncertain significance. Last evaluated: 2018-01-09. Review status: criteria provided, single submitter. Criteria: EGL Classification Definitions 2015. Collection method: clinical testing. Allele origin: germline. Observed: 2 variant alleles, 2 heterozygotes.

PreventionGenetics, part of Exact Sciences
Classification: Likely benign for NPHP4-related condition. Last evaluated: 2022-04-27. Review status: no assertion criteria provided. Collection method: clinical testing. Allele origin: germline. Not counted in ClinVar's aggregate classification.
Comment: This variant is classified as likely benign based on ACMG/AMP sequence variant interpretation guidelines (Richards et al. 2015 PMID: 25741868, with internal and published modifications).

NM_015102.5(NPHP4):c.1935A>G (p.Leu645=)

Gene: NPHP4 (nephrocystin 4; minus strand). Cytogenetic location: 1p36.31.
Variant type: single nucleotide variant.
Coding change: c.1935A>G on transcript NM_015102.5 (MANE Select); coding-DNA position 1935, A replaced by G.
Protein change: p.Leu645=; no amino-acid change (leucine 645 retained).
Molecular consequence: synonymous variant. On other transcripts: non-coding transcript variant (1).
Genome position (GRCh38, 1-based): chr1:5,905,312, T>C on the plus strand (A>G on the coding strand, the complement: NPHP4 is on the minus strand). VCF-style: chr1-5905312-T-C. GRCh37 (hg19) VCF-style: chr1-5965372-T-C.
Other names: c.1935A>G (NM_015102.4); c.396A>G, p.Leu132= (NM_001291593.2); c.399A>G, p.Leu133= (NM_001291594.2).
Identifiers: ClinVar variation 215885 (VCV000215885.17), dbSNP rs200104274, ClinGen allele CA337864.